The following is an entry in ClinVar:

NM_001271.4(CHD2):c.4683AGA[2] (p.Glu1565del)

Gene: CHD2 (chromodomain helicase DNA binding protein 2; plus strand). Cytogenetic location: 15q26.1.
Variant type: Microsatellite.
Coding change: c.4683AGA[2] on transcript NM_001271.4 (MANE Select); two copies in a row of the 3-base unit AGA starting at c.4683; the reference has three copies in a row; one copy, 3 bases deleted.
Protein change: p.Glu1565del; deletes glutamic acid 1565.
Molecular consequence: inframe deletion.
Genome position (GRCh38, 1-based): chr15:93,012,441-93,012,443, AGA deleted; deleting any 3 consecutive bases within chr15:93,012,434-93,012,443 gives the same sequence; the position shown is the placement nearest the transcript's 3' end. VCF-style (leftmost placement, unchanged base first): chr15-93012433-CAAG-C. GRCh37 (hg19) VCF-style: chr15-93555663-CAAG-C.
Other names: short protein forms E1565del.
Identifiers: ClinVar variation 587925 (VCV000587925.5), dbSNP rs1567163725, ClinGen allele CA891844311.

ClinVar aggregate classification (germline): Uncertain significance (1 of 4 stars; one submission).

Conditions:
Inborn genetic diseases. Identifiers: MedGen C0950123, MeSH D030342.

Submission:

Ambry Genetics
Classification: Uncertain significance for Inborn genetic diseases. Last evaluated: 2016-10-31. Review status: criteria provided, single submitter. Criteria: Ambry Variant Classification Scheme 2023. Collection method: clinical testing. Allele origin: germline.
Comment: The c.4689_4691delAGA variant (also known as p.E1565del) is located in coding exon 35 of the CHD2 gene. This variant results from an in-frame AGA deletion at nucleotide positions 4689 to 4691. This results in the in-frame deletion of a glutamic acid at codon 1565. This variant was not reported in population based cohorts in the following databases: Database of Single Nucleotide Polymorphisms (dbSNP), NHLBI Exome Sequencing Project (ESP), and 1000 Genomes Project. In the ESP, this variant was not observed in 6492 samples (12984 alleles) with coverage at this position. This amino acid position is well conserved in available vertebrate species. Since supporting evidence is limited at this time, the clinical significance of this variant remains unclear.